The following is an entry in ClinVar:

ClinVar aggregate classification (germline): Uncertain significance (1 of 4 stars; one submission).

Conditions:
Nemaline myopathy 8 (NEM8). Also called: Nemaline myopathy 8, autosomal recessive. Identifiers: Orphanet 171430, MedGen C3809209, MONDO:0014138, OMIM 615348.

Submission:

Labcorp Genetics (formerly Invitae), Labcorp
Classification: Uncertain significance for Nemaline myopathy 8. Last evaluated: 2022-05-22. Review status: criteria provided, single submitter. Criteria: Invitae Variant Classification Sherloc (09022015). Collection method: clinical testing. Allele origin: germline.
Comment: This sequence change replaces phenylalanine, which is neutral and non-polar, with serine, which is neutral and polar, at codon 608 of the KLHL40 protein (p.Phe608Ser). This variant is not present in population databases (gnomAD no frequency). This variant has not been reported in the literature in individuals affected with KLHL40-related conditions. Algorithms developed to predict the effect of missense changes on protein structure and function are either unavailable or do not agree on the potential impact of this missense change (SIFT: "Deleterious"; PolyPhen-2: "Benign"; Align-GVGD: "Class C0"). In summary, the available evidence is currently insufficient to determine the role of this variant in disease. Therefore, it has been classified as a Variant of Uncertain Significance.

NM_152393.4(KLHL40):c.1823T>C (p.Phe608Ser)

Gene: KLHL40 (kelch like family member 40; plus strand). Cytogenetic location: 3p22.1.
Variant type: single nucleotide variant.
Coding change: c.1823T>C on transcript NM_152393.4 (MANE Select); coding-DNA position 1823, T replaced by C.
Protein change: p.Phe608Ser; replaces phenylalanine 608 with serine.
Molecular consequence: missense variant.
Genome position (GRCh38, 1-based): chr3:42,691,950, T>C. VCF-style: chr3-42691950-T-C. GRCh37 (hg19) VCF-style: chr3-42733442-T-C.
Other names: short protein forms F608S.
Identifiers: ClinVar variation 1915011 (VCV001915011.5), dbSNP rs2471316132, ClinGen allele CA352295546.